The following is an entry in ClinVar:

ClinVar aggregate classification (germline): Conflicting classifications of pathogenicity. Review status: criteria provided, conflicting classifications (1 of 4 stars). 4 submissions from 4 submitters: Pathogenic (1); Likely pathogenic (1); Uncertain significance (2). Last evaluated 2024-12-30.

Conditions:
Hereditary cancer-predisposing syndrome. Also called: Neoplastic Syndromes, Hereditary; Tumor predisposition; Hereditary Cancer Syndrome; Hereditary neoplastic syndrome. Identifiers: Orphanet 140162, MedGen C0027672, MeSH D009386, MONDO:0015356.
Facial dysmorphism-immunodeficiency-livedo-short stature syndrome. Also called: Facial dysmorphism, immunodeficiency, livedo, and short stature; FILS syndrome. Identifiers: Orphanet 352712, MedGen C3554576, MONDO:0014058, OMIM 615139.

Allele frequency attached by ClinVar (database versions not stated): gnomAD exomes below 0.00001.
gnomAD v4.1: 1 of 1,609,678 alleles (0.000062%); highest among the groups gnomAD compares: Non-Finnish European, 0.000085%; no homozygotes.

Submissions (4):

Labcorp Genetics (formerly Invitae), Labcorp
Classification: Pathogenic. Last evaluated: 2024-12-30. Review status: criteria provided, single submitter. Criteria: Invitae Variant Classification Sherloc (09022015). Collection method: clinical testing. Allele origin: germline.
Comment: This sequence change falls in intron 18 of the POLE gene. It does not directly change the encoded amino acid sequence of the POLE protein. RNA analysis indicates that this variant induces altered splicing and may result in an absent or altered protein product. This variant is present in population databases (no rsID available, gnomAD 0.0009%). This variant has not been reported in the literature in individuals affected with POLE-related conditions. ClinVar contains an entry for this variant (Variation ID: 484567). Variants that disrupt the consensus splice site are a relatively common cause of aberrant splicing (PMID: 17576681, 9536098). Studies have shown that this variant results in skipping of exon 18, and produces a non-functional protein and/or introduces a premature termination codon (internal data). For these reasons, this variant has been classified as Pathogenic.

Institute of Human Genetics, FAU Erlangen, Friedrich-Alexander-Universität Erlangen-Nürnberg
Classification: Likely pathogenic for Facial dysmorphism-immunodeficiency-livedo-short stature syndrome. Last evaluated: 2023-04-17. Review status: criteria provided, single submitter. Criteria: Hauer et al. (Genet Med. 2018). Collection method: clinical testing. Allele origin: germline. Inheritance: Autosomal recessive inheritance. Affected: yes. Observed: 1 variant allele.
Comment: This variant has been identified by standard clinical testing.

Institute for Clinical Genetics, University Hospital TU Dresden, University Hospital TU Dresden
Classification: Uncertain significance. Last evaluated: 2021-11-03. Review status: criteria provided, single submitter. Criteria: ACMG Guidelines, 2015. Collection method: clinical testing. Allele origin: germline.

Ambry Genetics
Classification: Uncertain significance for Hereditary cancer-predisposing syndrome. Last evaluated: 2016-12-07. Review status: criteria provided, single submitter. Criteria: Ambry Variant Classification Scheme 2023. Collection method: clinical testing. Allele origin: germline.
Comment: The c.2026+3G>T intronic variant results from a G to T substitution 3 nucleotides after coding exon 18 in the POLE gene. This nucleotide position is not well conserved in available vertebrate species. Using the BDGP and ESEfinder splice site prediction tools, this alteration is predicted to abolish the native splice donor site; however, direct evidence is unavailable. Since supporting evidence is limited at this time, the clinical significance of this alteration remains unclear.

Literature cited by the submitters: PubMed 17576681 (cited by Labcorp Genetics (formerly Invitae), Labcorp); PubMed 9536098 (cited by Labcorp Genetics (formerly Invitae), Labcorp).

NM_006231.4(POLE):c.2026+3G>T

Gene: POLE (DNA polymerase epsilon, catalytic subunit; minus strand). Cytogenetic location: 12q24.33.
Variant type: single nucleotide variant.
Coding change: c.2026+3G>T on transcript NM_006231.4 (MANE Select); 3 bases into the intron after coding-DNA position 2026, G replaced by T.
Molecular consequence: intron variant.
Genome position (GRCh38, 1-based): chr12:132,668,632, C>A on the plus strand (G>T on the coding strand, the complement: POLE is on the minus strand). VCF-style: chr12-132668632-C-A. GRCh37 (hg19) VCF-style: chr12-133245218-C-A.
Identifiers: ClinVar variation 484567 (VCV000484567.13), dbSNP rs749631362, ClinGen allele CA608514459.